The following is an entry in ClinVar:

ClinVar aggregate classification (germline): Uncertain significance (1 of 4 stars; one submission).

Conditions:
Encephalopathy, acute, infection-induced (herpes-specific), susceptibility to, 1. Also called: Herpes simplex encephalitis, susceptibility to, 1. Identifiers: Orphanet 1930, MedGen C2750180, MONDO:0024563, OMIM 610551.

Allele frequency attached by ClinVar (database versions not stated): gnomAD exomes below 0.00001; gnomAD 0.00001; TOPMed 0.00001.
gnomAD v4.1: 3 of 1,614,086 alleles (0.00019%); highest among the groups gnomAD compares: Non-Finnish European, 0.00025%; no homozygotes.

Submission:

Labcorp Genetics (formerly Invitae), Labcorp
Classification: Uncertain significance for Encephalopathy, acute, infection-induced (herpes-specific), susceptibility to, 1. Last evaluated: 2022-09-16. Review status: criteria provided, single submitter. Criteria: Invitae Variant Classification Sherloc (09022015). Collection method: clinical testing. Allele origin: germline.
Comment: In summary, the available evidence is currently insufficient to determine the role of this variant in disease. Therefore, it has been classified as a Variant of Uncertain Significance. This sequence change replaces proline, which is neutral and non-polar, with serine, which is neutral and polar, at codon 501 of the TLR3 protein (p.Pro501Ser). This variant is not present in population databases (gnomAD no frequency). This variant has not been reported in the literature in individuals affected with TLR3-related conditions. Algorithms developed to predict the effect of missense changes on protein structure and function are either unavailable or do not agree on the potential impact of this missense change (SIFT: "Deleterious"; PolyPhen-2: "Probably Damaging"; Align-GVGD: "Class C0").

NM_003265.3(TLR3):c.1501C>T (p.Pro501Ser)

Gene: TLR3 (toll like receptor 3; plus strand). Cytogenetic location: 4q35.1.
Variant type: single nucleotide variant.
Coding change: c.1501C>T on transcript NM_003265.3 (MANE Select); coding-DNA position 1501, C replaced by T.
Protein change: p.Pro501Ser; replaces proline 501 with serine.
Molecular consequence: missense variant.
Genome position (GRCh38, 1-based): chr4:186,083,187, C>T. VCF-style: chr4-186083187-C-T. GRCh37 (hg19) VCF-style: chr4-187004341-C-T.
Other names: short protein forms P501S.
Identifiers: ClinVar variation 2145188 (VCV002145188.4), dbSNP rs1203831442, ClinGen allele CA358932332.